The following is an entry in ClinVar:

NM_001017980.4(VMA21):c.-1C>T

Gene: VMA21 (vacuolar ATPase assembly factor VMA21; plus strand). Cytogenetic location: Xq28.
Variant type: single nucleotide variant.
Coding change: c.-1C>T on transcript NM_001017980.4 (MANE Select); 1 bases upstream of the start codon, C replaced by T.
Molecular consequence: 5 prime UTR variant. On other transcripts: intron variant (1).
Genome position (GRCh38, 1-based): chrX:151,397,308, C>T. VCF-style: chrX-151397308-C-T. GRCh37 (hg19) VCF-style: chrX-150565780-C-T.
Other names: c.218+251C>T (NM_001363810.1).
Identifiers: ClinVar variation 3257679 (VCV003257679.18).

ClinVar aggregate classification (germline): Likely benign. Review status: criteria provided, multiple submitters, no conflicts (2 of 4 stars). 2 submissions from 2 submitters: Likely benign (2). Last evaluated 2025-02-21.

Conditions:
VMA21-related disorder. Also called: VMA21-related condition.

Submissions (2):

PreventionGenetics, part of Exact Sciences
Classification: Likely benign for VMA21-related condition. Last evaluated: 2025-02-21. Review status: criteria provided, single submitter. Criteria: ACMG Guidelines, 2015. Collection method: clinical testing. Allele origin: germline.
Comment: This variant is classified as likely benign based on ACMG/AMP sequence variant interpretation guidelines (Richards et al. 2015 PMID: 25741868, with internal and published modifications).

CeGaT Center for Human Genetics Tuebingen
Classification: Likely benign. Last evaluated: 2024-07-01. Review status: criteria provided, single submitter. Criteria: CeGaT Center For Human Genetics Tuebingen Variant Classification Criteria Version 2. Collection method: clinical testing. Allele origin: germline. Affected: yes. Observed: 1 variant allele.
Comment: VMA21: BP4, BS2